The following is an entry in ClinVar:

NM_001290060.2(SEMA3B):c.519G>A (p.Arg173=)

Gene: SEMA3B (semaphorin 3B; plus strand). Cytogenetic location: 3p21.31.
Variant type: single nucleotide variant.
Coding change: c.519G>A on transcript NM_001290060.2 (MANE Select); coding-DNA position 519, G replaced by A.
Protein change: p.Arg173=; no amino-acid change (arginine 173 retained).
Molecular consequence: synonymous variant.
Genome position (GRCh38, 1-based): chr3:50,271,156, G>A. VCF-style: chr3-50271156-G-A. GRCh37 (hg19) VCF-style: chr3-50308587-G-A.
Other names: c.519G>A, p.Arg173= (NM_001005914.3, NM_001290061.1, NM_004636.4).
Identifiers: ClinVar variation 3353414 (VCV003353414.1).

ClinVar aggregate classification (germline): Likely benign (0 of 4 stars; one submission).

Conditions:
SEMA3B-related disorder. Also called: SEMA3B-related condition.

gnomAD v4.1: 2 of 1,580,500 alleles (0.00013%); highest among the groups gnomAD compares: Admixed American, 0.0037%; no homozygotes.

Submission:

PreventionGenetics, part of Exact Sciences
Classification: Likely benign for SEMA3B-related condition. Last evaluated: 2022-07-28. Review status: no assertion criteria provided. Collection method: clinical testing. Allele origin: germline.
Comment: This variant is classified as likely benign based on ACMG/AMP sequence variant interpretation guidelines (Richards et al. 2015 PMID: 25741868, with internal and published modifications).